The following is an entry in ClinVar:

NM_000843.4(GRM6):c.1888G>C (p.Gly630Arg)

Genes: GRM6 (glutamate metabotropic receptor 6; minus strand), ZNF454 (zinc finger protein 454; plus strand). Cytogenetic location: 5q35.3.
Variant type: single nucleotide variant.
Coding change: c.1888G>C on transcript NM_000843.4 (MANE Select); coding-DNA position 1888, G replaced by C.
Protein change: p.Gly630Arg; replaces glycine 630 with arginine.
Molecular consequence: missense variant.
Genome position (GRCh38, 1-based): chr5:178,986,366, C>G on the plus strand (G>C on the coding strand, the complement: GRM6 is on the minus strand). VCF-style: chr5-178986366-C-G. GRCh37 (hg19) VCF-style: chr5-178413367-C-G.
Other names: short protein forms G630R.
Identifiers: ClinVar variation 1524390 (VCV001524390.6), dbSNP rs202227349, ClinGen allele CA362426255.

ClinVar aggregate classification (germline): Uncertain significance (1 of 4 stars; one submission).

Allele frequency attached by ClinVar (database versions not stated): gnomAD 0.00001.
gnomAD v4.1: 4 of 1,613,958 alleles (0.00025%); highest among the groups gnomAD compares: Non-Finnish European, 0.00034%; no homozygotes.

Submission:

Labcorp Genetics (formerly Invitae), Labcorp
Classification: Uncertain significance. Last evaluated: 2021-10-11. Review status: criteria provided, single submitter. Criteria: Invitae Variant Classification Sherloc (09022015). Collection method: clinical testing. Allele origin: germline.
Comment: Advanced modeling of protein sequence and biophysical properties (such as structural, functional, and spatial information, amino acid conservation, physicochemical variation, residue mobility, and thermodynamic stability) performed at Invitae indicates that this missense variant is expected to disrupt GRM6 protein function. This sequence change replaces glycine with arginine at codon 630 of the GRM6 protein (p.Gly630Arg). The glycine residue is highly conserved and there is a moderate physicochemical difference between glycine and arginine. This variant is not present in population databases (ExAC no frequency). This variant has not been reported in the literature in individuals affected with GRM6-related conditions. In summary, the available evidence is currently insufficient to determine the role of this variant in disease. Therefore, it has been classified as a Variant of Uncertain Significance.